The following is an entry in ClinVar:

NM_001291867.2(NHS):c.4018T>C (p.Phe1340Leu)

Gene: NHS (NHS actin remodeling regulator; plus strand). Cytogenetic location: Xp22.13.
Variant type: single nucleotide variant.
Coding change: c.4018T>C on transcript NM_001291867.2 (MANE Select); coding-DNA position 4018, T replaced by C.
Protein change: p.Phe1340Leu; replaces phenylalanine 1340 with leucine.
Molecular consequence: missense variant.
Genome position (GRCh38, 1-based): chrX:17,728,124, T>C. VCF-style: chrX-17728124-T-C. GRCh37 (hg19) VCF-style: chrX-17746244-T-C.
Other names: c.3487T>C, p.Phe1163Leu (NM_001136024.4); c.3424T>C, p.Phe1142Leu (NM_001291868.2); c.3955T>C, p.Phe1319Leu (NM_198270.4); short protein forms F1319L, F1142L, F1340L, F1163L.
Identifiers: ClinVar variation 129776 (VCV000129776.24), dbSNP rs3747295, ClinGen allele CA154069.
Genomic context (GRCh38, chrX:17,728,124, plus strand): 5'-GTGGATGTAATCACATCTCAGTCAGACTCACCAACTAGAGCAACAGATGTAAGCAATCAA[T>C]TTAAGCATCAATTTGTTATGAGCCGCCACCATGACAAAGTGCCTGGTACTATCAGCTATG-3'
Protein context (NP_001278796.1, residues 1330-1350): PTRATDVSNQ[Phe1340Leu]KHQFVMSRHH

ClinVar aggregate classification (germline): Benign. Review status: criteria provided, multiple submitters, no conflicts (2 of 4 stars). 7 submissions from 7 submitters: Benign (6). 1 of the submissions does not count toward it. Last evaluated 2026-02-03.

Conditions:
Inborn genetic diseases. Identifiers: MedGen C0950123, MeSH D030342.
Nance-Horan syndrome (NHS). Identifiers: Orphanet 627, MedGen C0796085, MONDO:0010545, OMIM 302350.

Allele frequency attached by ClinVar (database versions not stated): gnomAD exomes 0.06682 and 0.16876; gnomAD 0.29823 and 0.28792; ESP Exome Variant Server 0.31279; 1000 Genomes Project 0.39550; TOPMed 0.33926; 1000 Genomes Project 30x 0.40562; ExAC 0.17508.
gnomAD v4.1: 107,872 of 1,209,376 alleles (8.9%); highest among the groups gnomAD compares: African/African-American, 84%; 20,115 homozygotes.

Submissions (7):

Labcorp Genetics (formerly Invitae), Labcorp
Classification: Benign for Nance-Horan syndrome. Last evaluated: 2026-02-03. Review status: criteria provided, single submitter. Criteria: Invitae Variant Classification Sherloc (09022015). Collection method: clinical testing. Allele origin: germline.

GeneDx
Classification: Benign. Last evaluated: 2018-04-02. Review status: criteria provided, single submitter. Criteria: GeneDx Variant Classification (06012015). Collection method: clinical testing. Allele origin: germline. Affected: yes.
Comment: This variant is considered likely benign or benign based on one or more of the following criteria: it is a conservative change, it occurs at a poorly conserved position in the protein, it is predicted to be benign by multiple in silico algorithms, and/or has population frequency not consistent with disease.

Ambry Genetics
Classification: Benign for Inborn genetic diseases. Last evaluated: 2015-06-22. Review status: criteria provided, single submitter. Criteria: Ambry Variant Classification Scheme 2023. Collection method: clinical testing. Allele origin: germline.

Eurofins Ntd Llc (ga)
Classification: Benign. Last evaluated: 2014-01-31. Review status: criteria provided, single submitter. Criteria: EGL Classification Definitions 2015. Collection method: clinical testing. Allele origin: germline. Observed: 4 variant alleles, 1 heterozygote, 3 hemizygotes.

Breakthrough Genomics
Classification: Benign. Review status: criteria provided, single submitter. Criteria: ACMG Guidelines, 2015. Collection method: not provided. Allele origin: germline. Inheritance: X-linked inheritance. Affected: yes.

PreventionGenetics, part of Exact Sciences
Classification: Benign. Review status: criteria provided, single submitter. Criteria: ACMG Guidelines, 2015. Collection method: clinical testing. Allele origin: germline.

Genetic Services Laboratory, University of Chicago
Classification: Likely benign for AllHighlyPenetrant. Review status: no assertion criteria provided. Collection method: clinical testing. Allele origin: germline. Inheritance: X-linked inheritance. Not counted in ClinVar's aggregate classification.
Comment: Likely benign based on allele frequency in 1000 Genomes Project or ESP global frequency and its presence in a patient with a rare or unrelated disease phenotype. NOT Sanger confirmed.